The following is an entry in ClinVar:

NM_201525.4(ADGRG1):c.1665-3C>T

Gene: ADGRG1 (adhesion G protein-coupled receptor G1; plus strand). Cytogenetic location: 16q21.
Variant type: single nucleotide variant.
Coding change: c.1665-3C>T on transcript NM_201525.4 (MANE Select); 3 bases into the intron before coding-DNA position 1665, C replaced by T.
Molecular consequence: intron variant.
Genome position (GRCh38, 1-based): chr16:57,661,694, C>T. VCF-style: chr16-57661694-C-T. GRCh37 (hg19) VCF-style: chr16-57695606-C-T.
Other names: c.1665-3C>T (NM_001370440.1, NM_001370436.1, NM_001370438.1 and 7 more transcripts); c.1683-3C>T (NM_001370428.1, NM_001370430.1, NM_001370431.1 and 4 more transcripts); c.1173-3C>T (NM_001290142.2); c.1140-3C>T (NM_001370451.1, NM_001370453.1, NM_001370454.1 and 1 more transcripts); c.1158-3C>T (NM_001290143.2); c.1680-3C>T (NM_001370434.1, NM_001370433.1, NM_001145773.3); c.1509-3C>T (NM_001370442.1); c.1662-3C>T (NM_001370441.1).
Identifiers: ClinVar variation 1514124 (VCV001514124.4), dbSNP rs1441045632, ClinGen allele CA722054978.
Genomic context (GRCh38, chr16:57,661,694, plus strand): 5'-CCACAGCCCAGGAAATGCTGCCCGTGCTGGCCACACGCTGAGCCCTCCTGCCTTTGCCCG[C>T]AGGTGCTGGATCCGGGACTCCCTGGTCAGCTACATCACCAACCTGGGCCTCTTCAGCCTG-3'

ClinVar aggregate classification (germline): Uncertain significance (1 of 4 stars; one submission).

Allele frequency attached by ClinVar (database versions not stated): gnomAD exomes below 0.00001; gnomAD 0.00001; TOPMed 0.00001.
gnomAD v4.1: 5 of 1,612,864 alleles (0.00031%); highest among the groups gnomAD compares: African/African-American, 0.0053%; no homozygotes.

Submission:

Labcorp Genetics (formerly Invitae), Labcorp
Classification: Uncertain significance. Last evaluated: 2021-12-02. Review status: criteria provided, single submitter. Criteria: Invitae Variant Classification Sherloc (09022015). Collection method: clinical testing. Allele origin: germline.
Comment: In summary, the available evidence is currently insufficient to determine the role of this variant in disease. Therefore, it has been classified as a Variant of Uncertain Significance. Variants that disrupt the consensus splice site are a relatively common cause of aberrant splicing (PMID: 17576681, 9536098). Algorithms developed to predict the effect of sequence changes on RNA splicing suggest that this variant may create or strengthen a splice site. This variant has not been reported in the literature in individuals affected with ADGRG1-related conditions. This variant is not present in population databases (gnomAD no frequency). This sequence change falls in intron 13 of the ADGRG1 gene. It does not directly change the encoded amino acid sequence of the ADGRG1 protein. It affects a nucleotide within the consensus splice site.

Literature cited by the submitters: PubMed 17576681; PubMed 9536098.